The following is an entry in ClinVar:

NM_033118.4(MYLK2):c.56A>G (p.Lys19Arg)

Gene: MYLK2 (myosin light chain kinase 2; plus strand). Cytogenetic location: 20q11.21.
Variant type: single nucleotide variant.
Coding change: c.56A>G on transcript NM_033118.4 (MANE Select); coding-DNA position 56, A replaced by G.
Protein change: p.Lys19Arg; replaces lysine 19 with arginine.
Molecular consequence: missense variant.
Genome position (GRCh38, 1-based): chr20:31,820,129, A>G. VCF-style: chr20-31820129-A-G. GRCh37 (hg19) VCF-style: chr20-30407932-A-G.
Other names: short protein forms K19R.
Identifiers: ClinVar variation 406156 (VCV000406156.8), dbSNP rs1060500984, ClinGen allele CA16616463.

ClinVar aggregate classification (germline): Uncertain significance (1 of 4 stars; one submission).

Conditions:
Hypertrophic cardiomyopathy 1 (CMH1). Also called: MYH7-Related Familial Hypertrophic Cardiomyopathy; Familial hypertrophic cardiomyopathy 1. Identifiers: MedGen C3495498, MONDO:0008647, OMIM 192600.

Submission:

Labcorp Genetics (formerly Invitae), Labcorp
Classification: Uncertain significance for Hypertrophic cardiomyopathy 1. Last evaluated: 2016-05-30. Review status: criteria provided, single submitter. Criteria: Invitae Variant Classification Sherloc (09022015). Collection method: clinical testing. Allele origin: germline.
Comment: This sequence change replaces lysine with arginine at codon 19 of the MYLK2 protein (p.Lys19Arg). The lysine residue is weakly conserved and there is a small physicochemical difference between lysine and arginine. In summary, this variant is a novel missense change that is not predicted to affect protein function. There is no indication that it causes disease, but the available evidence is currently insufficient to prove that conclusively. Therefore, it has been classified as a Variant of Uncertain Significance. Algorithms developed to predict the effect of missense changes on protein structure and function (SIFT, PolyPhen-2, Align-GVGD) all suggest that this variant is likely to be tolerated, but these predictions have not been confirmed by published functional studies. This variant is not present in population databases (ExAC no frequency) and has not been reported in the literature in individuals with a MYLK2-related disease.